The following is an entry in ClinVar:

ClinVar aggregate classification (germline): Uncertain significance (1 of 4 stars; one submission).

Submission:

GeneDx
Classification: Uncertain significance. Last evaluated: 2023-02-03. Review status: criteria provided, single submitter. Criteria: GeneDx Variant Classification Process June 2021. Collection method: clinical testing. Allele origin: germline. Affected: yes.
Comment: Not observed at significant frequency in large population cohorts (gnomAD); In silico analysis supports that this missense variant has a deleterious effect on protein structure/function; Has not been previously published as pathogenic or benign to our knowledge

NM_000032.5(ALAS2):c.1519C>T (p.Pro507Ser)

Gene: ALAS2 (5'-aminolevulinate synthase 2; minus strand). Cytogenetic location: Xp11.21.
Variant type: single nucleotide variant.
Coding change: c.1519C>T on transcript NM_000032.5 (MANE Select); coding-DNA position 1519, C replaced by T.
Protein change: p.Pro507Ser; replaces proline 507 with serine.
Molecular consequence: missense variant.
Genome position (GRCh38, 1-based): chrX:55,013,567, G>A on the plus strand (C>T on the coding strand, the complement: ALAS2 is on the minus strand). VCF-style: chrX-55013567-G-A. GRCh37 (hg19) VCF-style: chrX-55040000-G-A.
Other names: c.1408C>T, p.Pro470Ser (NM_001037967.4); c.1480C>T, p.Pro494Ser (NM_001037968.4); short protein forms P470S, P494S, P507S.
Identifiers: ClinVar variation 2574898 (VCV002574898.1), dbSNP rs2519576272, ClinGen allele CA413291969.